The following is an entry in ClinVar:

ClinVar aggregate classification (germline): Uncertain significance (1 of 4 stars; one submission).

Conditions:
Cystic fibrosis (CF). Also called: MUCOVISCIDOSIS. Identifiers: Orphanet 586, MedGen C0010674, MONDO:0009061, OMIM 219700. Disease mechanism: loss of function.

Submission:

Ambry Genetics
Classification: Uncertain significance for Cystic fibrosis. Last evaluated: 2023-09-09. Review status: criteria provided, single submitter. Criteria: Ambry Variant Classification Scheme 2023. Collection method: clinical testing. Allele origin: germline.
Comment: The p.I546L variant (also known as c.1636A>C), located in coding exon 12 of the CFTR gene, results from an A to C substitution at nucleotide position 1636. The isoleucine at codon 546 is replaced by leucine, an amino acid with highly similar properties. This amino acid position is conserved. In addition, the in silico prediction for this alteration is inconclusive. Since supporting evidence is limited at this time, the clinical significance of this alteration remains unclear.

NM_000492.4(CFTR):c.1636A>C (p.Ile546Leu)

Genes: CFTR (CF transmembrane conductance regulator; plus strand), LOC111674475 (CFTR intron 11 enhancer; plus strand). Cytogenetic location: 7q31.2.
Variant type: single nucleotide variant.
Coding change: c.1636A>C on transcript NM_000492.4 (MANE Select); coding-DNA position 1636, A replaced by C.
Protein change: p.Ile546Leu; replaces isoleucine 546 with leucine.
Molecular consequence: missense variant.
Genome position (GRCh38, 1-based): chr7:117,587,790, A>C. VCF-style: chr7-117587790-A-C. GRCh37 (hg19) VCF-style: chr7-117227844-A-C.
Other names: short protein forms I546L.
Identifiers: ClinVar variation 2587619 (VCV002587619.2), dbSNP rs1194722899, ClinGen allele CA368976024.